The following is an entry in ClinVar:

NM_001378454.1(ALMS1):c.11279C>G (p.Thr3760Ser)

Gene: ALMS1 (ALMS1 centrosome and basal body associated protein; plus strand). Cytogenetic location: 2p13.1.
Variant type: single nucleotide variant.
Coding change: c.11279C>G on transcript NM_001378454.1 (MANE Select); coding-DNA position 11279, C replaced by G.
Protein change: p.Thr3760Ser; replaces threonine 3760 with serine.
Molecular consequence: missense variant.
Genome position (GRCh38, 1-based): chr2:73,573,156, C>G. VCF-style: chr2-73573156-C-G. GRCh37 (hg19) VCF-style: chr2-73800283-C-G.
Other names: c.11282C>G, p.Thr3761Ser (NM_015120.4); short protein forms T3760S, T3761S.
Identifiers: ClinVar variation 1357541 (VCV001357541.3), dbSNP rs370381761, ClinGen allele CA1715153.

ClinVar aggregate classification (germline): Uncertain significance (1 of 4 stars; one submission).

Conditions:
Alstrom syndrome (ALMS). Identifiers: Orphanet 64, MedGen C0268425, MONDO:0008763, OMIM 203800.

gnomAD v4.1: 25 of 1,613,656 alleles (0.0015%); highest among the groups gnomAD compares: South Asian, 0.027%; 1 homozygote.

Submission:

Labcorp Genetics (formerly Invitae), Labcorp
Classification: Uncertain significance for Alstrom syndrome. Last evaluated: 2021-06-05. Review status: criteria provided, single submitter. Criteria: Invitae Variant Classification Sherloc (09022015). Collection method: clinical testing. Allele origin: germline.
Comment: This sequence change replaces threonine with serine at codon 3761 of the ALMS1 protein (p.Thr3761Ser). The threonine residue is weakly conserved and there is a small physicochemical difference between threonine and serine. This variant is present in population databases (rs370381761, ExAC 0.03%). This variant has not been reported in the literature in individuals with ALMS1-related conditions. Experimental studies and prediction algorithms are not available or were not evaluated, and the functional significance of this variant is currently unknown. In summary, the available evidence is currently insufficient to determine the role of this variant in disease. Therefore, it has been classified as a Variant of Uncertain Significance.